The following is an entry in ClinVar:

ClinVar aggregate classification (germline): Uncertain significance. Review status: criteria provided, multiple submitters, no conflicts (2 of 4 stars). 2 submissions from 2 submitters: Uncertain significance (2). Last evaluated 2025-11-18.

Conditions:
Hereditary cancer-predisposing syndrome. Also called: Neoplastic Syndromes, Hereditary; Tumor predisposition; Hereditary Cancer Syndrome; Hereditary neoplastic syndrome. Identifiers: Orphanet 140162, MedGen C0027672, MeSH D009386, MONDO:0015356.
Hereditary breast ovarian cancer syndrome. Also called: Hereditary breast and ovarian cancer; BRCA1- and BRCA2-Associated Hereditary Breast and Ovarian Cancer; Hereditary breast and ovarian cancer syndrome; Breast and ovarian cancer; Hereditary breast and ovarian cancer syndrome (HBOC); Hereditary breast and/or ovarian cancer syndrome. Identifiers: Orphanet 145, MedGen C0677776, MeSH D061325, MONDO:0003582. Disease mechanism: loss of function.

Submissions (2):

Ambry Genetics
Classification: Uncertain significance for Hereditary cancer-predisposing syndrome. Last evaluated: 2025-11-18. Review status: criteria provided, single submitter. Criteria: Ambry Variant Classification Scheme 2023. Collection method: clinical testing. Allele origin: germline.
Comment: The p.A927S variant (also known as c.2779G>T), located in coding exon 9 of the BRCA1 gene, results from a G to T substitution at nucleotide position 2779. The alanine at codon 927 is replaced by serine, an amino acid with similar properties. This amino acid position is not well conserved in available vertebrate species. In addition, this alteration is predicted to be tolerated by in silico analysis. Based on the available evidence, the clinical significance of this variant remains unclear.

Labcorp Genetics (formerly Invitae), Labcorp
Classification: Uncertain significance for Hereditary breast ovarian cancer syndrome. Last evaluated: 2023-08-09. Review status: criteria provided, single submitter. Criteria: Invitae Variant Classification Sherloc (09022015). Collection method: clinical testing. Allele origin: germline.
Comment: This sequence change replaces alanine, which is neutral and non-polar, with serine, which is neutral and polar, at codon 927 of the BRCA1 protein (p.Ala927Ser). This variant is not present in population databases (gnomAD no frequency). This variant has not been reported in the literature in individuals affected with BRCA1-related conditions. Advanced modeling of protein sequence and biophysical properties (such as structural, functional, and spatial information, amino acid conservation, physicochemical variation, residue mobility, and thermodynamic stability) performed at Invitae indicates that this missense variant is not expected to disrupt BRCA1 protein function. In summary, the available evidence is currently insufficient to determine the role of this variant in disease. Therefore, it has been classified as a Variant of Uncertain Significance.

NM_007294.4(BRCA1):c.2779G>T (p.Ala927Ser)

Gene: BRCA1 (BRCA1 DNA repair associated; minus strand). Cytogenetic location: 17q21.31.
Variant type: single nucleotide variant.
Coding change: c.2779G>T on transcript NM_007294.4 (MANE Select); coding-DNA position 2779, G replaced by T.
Protein change: p.Ala927Ser; replaces alanine 927 with serine.
Molecular consequence: missense variant. On other transcripts: intron variant (137).
Genome position (GRCh38, 1-based): chr17:43,092,752, C>A on the plus strand (G>T on the coding strand, the complement: BRCA1 is on the minus strand). VCF-style: chr17-43092752-C-A. GRCh37 (hg19) VCF-style: chr17-41244769-C-A.
Other names: c.2779G>T, p.Ala927Ser (NM_001407639.1, NM_001407640.1, NM_001407641.1 and 30 more transcripts); c.2770G>T, p.Ala924Ser (NM_001407647.1, NM_001407646.1); c.2656G>T, p.Ala886Ser (NM_001407648.1, NM_001407664.1, NM_001407665.1 and 19 more transcripts); c.2776G>T, p.Ala926Ser (NM_001407644.1, NM_001407645.1, NM_001407587.1 and 22 more transcripts); c.2566G>T, p.Ala856Ser (NM_001407571.1, NM_001407853.1, NM_001407894.1 and 9 more transcripts); c.2653G>T, p.Ala885Ser (NM_001407649.1, NM_001407670.1, NM_001407671.1 and 11 more transcripts); c.2701G>T, p.Ala901Ser (NM_001407653.1, NM_001407654.1, NM_001407655.1 and 4 more transcripts); c.2698G>T, p.Ala900Ser (NM_001407659.1, NM_001407660.1, NM_001407661.1 and 1 more transcripts); and 41 more; short protein forms A800S, A816S, A838S, A857S, A879S, A880S, A886S, A900S.
Identifiers: ClinVar variation 2820919 (VCV002820919.4), dbSNP rs2154359849, ClinGen allele CA10596434.